The following is an entry in ClinVar:

NM_002875.5(RAD51):c.770A>G (p.Asp257Gly)

Gene: RAD51 (RAD51 recombinase; plus strand). Cytogenetic location: 15q15.1.
Variant type: single nucleotide variant.
Coding change: c.770A>G on transcript NM_002875.5 (MANE Select); coding-DNA position 770, A replaced by G.
Protein change: p.Asp257Gly; replaces aspartic acid 257 with glycine.
Molecular consequence: missense variant.
Genome position (GRCh38, 1-based): chr15:40,729,630, A>G. VCF-style: chr15-40729630-A-G. GRCh37 (hg19) VCF-style: chr15-41021828-A-G.
Other names: c.773A>G, p.Asp258Gly (NM_001164269.2, NM_133487.4); c.770A>G, p.Asp257Gly (NM_001164270.2); short protein forms D257G, D258G.
Identifiers: ClinVar variation 3222871 (VCV003222871.1), dbSNP rs2504530002, ClinGen allele CA391759344.

ClinVar aggregate classification (germline): Uncertain significance (1 of 4 stars; one submission).

Conditions:
Inborn genetic diseases. Identifiers: MedGen C0950123, MeSH D030342.

Submission:

Ambry Genetics
Classification: Uncertain significance for Inborn genetic diseases. Last evaluated: 2023-10-12. Review status: criteria provided, single submitter. Criteria: Ambry Variant Classification Scheme 2023. Collection method: clinical testing. Allele origin: germline.
Comment: The p.D257G variant (also known as c.770A>G), located in coding exon 7 of the RAD51 gene, results from an A to G substitution at nucleotide position 770. The aspartic acid at codon 257 is replaced by glycine, an amino acid with similar properties. This amino acid position is conserved. In addition, this alteration is predicted to be deleterious by in silico analysis. Since supporting evidence is limited at this time, the clinical significance of this alteration remains unclear.